The following is an entry in ClinVar:

ClinVar aggregate classification (germline): Uncertain significance. Review status: criteria provided, multiple submitters, no conflicts (2 of 4 stars). 2 submissions from 2 submitters: Uncertain significance (2). Last evaluated 2025-09-19.

Allele frequency attached by ClinVar (database versions not stated): gnomAD exomes below 0.00001; TOPMed below 0.00001; gnomAD 0.00001.
gnomAD v4.1: 3 of 1,605,960 alleles (0.00019%); highest among the groups gnomAD compares: Admixed American, 0.0033%; no homozygotes.

Submissions (2):

Ambry Genetics
Classification: Uncertain significance. Last evaluated: 2025-09-19. Review status: criteria provided, single submitter. Criteria: Ambry Variant Classification Scheme 2023. Collection method: clinical testing. Allele origin: germline.
Comment: The p.E386K variant (also known as c.1156G>A), located in coding exon 10 of the GEN1 gene, results from a G to A substitution at nucleotide position 1156. The glutamic acid at codon 386 is replaced by lysine, an amino acid with similar properties. This amino acid position is conserved. In addition, this alteration is predicted to be tolerated by in silico analysis. Based on the available evidence, the clinical significance of this variant remains unclear.

Labcorp Genetics (formerly Invitae), Labcorp
Classification: Uncertain significance. Last evaluated: 2024-04-29. Review status: criteria provided, single submitter. Criteria: Invitae Variant Classification Sherloc (09022015). Collection method: clinical testing. Allele origin: germline.
Comment: This sequence change replaces glutamic acid, which is acidic and polar, with lysine, which is basic and polar, at codon 386 of the GEN1 protein (p.Glu386Lys). This variant is present in population databases (no rsID available, gnomAD 0.003%). This variant has not been reported in the literature in individuals affected with GEN1-related conditions. ClinVar contains an entry for this variant (Variation ID: 845250). An algorithm developed to predict the effect of missense changes on protein structure and function (PolyPhen-2) suggests that this variant is likely to be disruptive. In summary, the available evidence is currently insufficient to determine the role of this variant in disease. Therefore, it has been classified as a Variant of Uncertain Significance.

NM_001130009.3(GEN1):c.1156G>A (p.Glu386Lys)

Gene: GEN1 (GEN1 structure-specific endonuclease; plus strand). Cytogenetic location: 2p24.2.
Variant type: single nucleotide variant.
Coding change: c.1156G>A on transcript NM_001130009.3 (MANE Select); coding-DNA position 1156, G replaced by A.
Protein change: p.Glu386Lys; replaces glutamic acid 386 with lysine.
Molecular consequence: missense variant.
Genome position (GRCh38, 1-based): chr2:17,774,355, G>A. VCF-style: chr2-17774355-G-A. GRCh37 (hg19) VCF-style: chr2-17955622-G-A.
Other names: c.1156G>A (NM_001130009.1); c.1156G>A, p.Glu386Lys (NM_182625.5); short protein forms E386K.
Identifiers: ClinVar variation 845250 (VCV000845250.10), dbSNP rs1463546541, ClinGen allele CA345920728.